The following is an entry in ClinVar:

ClinVar aggregate classification (germline): Uncertain significance. Review status: criteria provided, multiple submitters, no conflicts (2 of 4 stars). 4 submissions from 4 submitters: Uncertain significance (3). 1 of the submissions does not count toward it. Last evaluated 2025-01-23.

Conditions:
Hereditary cancer-predisposing syndrome. Also called: Tumor predisposition; Hereditary neoplastic syndrome; Neoplastic Syndromes, Hereditary; Hereditary Cancer Syndrome. Identifiers: Orphanet 140162, MedGen C0027672, MeSH D009386, MONDO:0015356.
Multiple endocrine neoplasia, type 2 (MEN2). Identifiers: Orphanet 653, MedGen C4048306, MONDO:0019003. Disease mechanism: gain of function.
RET-related disorder. Also called: RET-related disorders; RET-related condition; RET-related disease.

Allele frequency attached by ClinVar (database versions not stated): gnomAD exomes below 0.00001.

Submissions (4):

Labcorp Genetics (formerly Invitae), Labcorp
Classification: Uncertain significance for Multiple endocrine neoplasia, type 2. Last evaluated: 2025-01-23. Review status: criteria provided, single submitter. Criteria: Invitae Variant Classification Sherloc (09022015). Collection method: clinical testing. Allele origin: germline.
Comment: This sequence change falls in intron 6 of the RET gene. It does not directly change the encoded amino acid sequence of the RET protein. It affects a nucleotide within the consensus splice site. This variant is not present in population databases (gnomAD no frequency). This variant has not been reported in the literature in individuals affected with RET-related conditions. ClinVar contains an entry for this variant (Variation ID: 861854). Variants that disrupt the consensus splice site are a relatively common cause of aberrant splicing (PMID: 17576681, 9536098). Algorithms developed to predict the effect of sequence changes on RNA splicing suggest that this variant is not likely to affect RNA splicing. In summary, the available evidence is currently insufficient to determine the role of this variant in disease. Therefore, it has been classified as a Variant of Uncertain Significance.

All of Us Research Program, National Institutes of Health
Classification: Uncertain significance for Multiple endocrine neoplasia, type 2. Last evaluated: 2024-06-09. Review status: criteria provided, single submitter. Criteria: ACMG Guidelines, 2015. Collection method: clinical testing. Allele origin: germline. Inheritance: Autosomal dominant inheritance. Observed: 1 variant allele, 1 heterozygote.
Comment: This variant causes 1 nucleotide deletion at position -3 in intron 6 of the RET gene. To our knowledge, RNA studies have not been reported for this variant. This variant has not been reported in individuals affected with RET-related disorders in the literature. This variant has not been identified in the general population by the Genome Aggregation Database (gnomAD). The available evidence is insufficient to determine the role of this variant in disease conclusively. Therefore, this variant is classified as a Variant of Uncertain Significance.

This study involves interpretation of variants in research participants for the purpose of population health screening. Participant phenotype was not available at the time of variant classification. Additional details can be found in publication PMID: 35346344, PMCID: PMC8962531

Ambry Genetics
Classification: Uncertain significance for Hereditary cancer-predisposing syndrome. Last evaluated: 2023-09-12. Review status: criteria provided, single submitter. Criteria: Ambry Variant Classification Scheme 2023. Collection method: clinical testing. Allele origin: germline.
Comment: The c.1264-3delT intronic variant, located in intron 6 of the RET gene, results from a deletion of one nucleotide within intron 6 of the RET gene. This nucleotide position is not well conserved in available vertebrate species. In silico splice site analysis predicts that this alteration will not have any significant effect on splicing. Since supporting evidence is limited at this time, the clinical significance of this alteration remains unclear.

PreventionGenetics, part of Exact Sciences
Classification: Likely benign for RET-related condition. Last evaluated: 2024-06-10. Review status: no assertion criteria provided. Collection method: clinical testing. Allele origin: germline. Not counted in ClinVar's aggregate classification.
Comment: This variant is classified as likely benign based on ACMG/AMP sequence variant interpretation guidelines (Richards et al. 2015 PMID: 25741868, with internal and published modifications).

Literature cited by the submitters: PubMed 17576681 (cited by Labcorp Genetics (formerly Invitae), Labcorp); PubMed 9536098 (cited by Labcorp Genetics (formerly Invitae), Labcorp).

NM_020975.6(RET):c.1264-3del

Gene: RET (ret proto-oncogene; plus strand). Cytogenetic location: 10q11.21.
Variant type: Deletion.
Coding change: c.1264-3del on transcript NM_020975.6 (MANE Select); 3 bases into the intron before coding-DNA position 1264, one base deleted (T; older notation c.1264-3delT).
Molecular consequence: intron variant.
Genome position (GRCh38, 1-based): chr10:43,111,204, T deleted. VCF-style (leftmost placement, unchanged base first): chr10-43111203-CT-C. GRCh37 (hg19) VCF-style: chr10-43606651-CT-C.
Other names: c.1264-3del (NM_020630.7, NM_001406743.1, NM_001406744.1 and 4 more transcripts); c.868-3del (NM_001406772.1, NM_001406769.1); c.826-3del (NM_001406773.1, NM_001406771.1); c.626-895del (NM_001406782.1, NM_001406780.1, NM_001406779.1 and 3 more transcripts); c.1135-3del (NM_001406764.1, NM_001406762.1, NM_001406761.1 and 1 more transcripts); c.739-3del (NM_001406774.1); c.497-895del (NM_001406786.1, NM_001406783.1); c.976-3del (NM_001406770.1, NM_001406766.1, NM_001406767.1); and 6 more.
Identifiers: ClinVar variation 861854 (VCV000861854.15), dbSNP rs1837912264, ClinGen allele CA469479605.
Genomic context (GRCh38, chr10:43,111,203, plus strand): 5'-TACCCTCAGGCCATTACAGGCCGGTCCAGCTGCCTGGCTAAGGTGTTCCCCTGTGCCCCC[CT>C]AGATCGGGAAAGTCTGTGTGGAAAACTGCCAGGCATTCAGTGGCATCAACGTCCAGTACA-3'